The following is an entry in ClinVar:

NM_001378778.1(MPDZ):c.1491_1493del (p.Asp497del)

Gene: MPDZ (multiple PDZ domain crumbs cell polarity complex component; minus strand). Cytogenetic location: 9p23.
Variant type: Deletion.
Coding change: c.1491_1493del on transcript NM_001378778.1 (MANE Select); coding-DNA positions 1491 to 1493, 3 bases deleted (TGA; older notation c.1491_1493delTGA).
Protein change: p.Asp497del; deletes aspartic acid 497.
Molecular consequence: inframe deletion.
Genome position (GRCh38, 1-based): chr9:13,205,089-13,205,091, TCA deleted on the plus strand (TGA on the coding strand, the reverse complement: MPDZ is on the minus strand); deleting any 3 consecutive bases within chr9:13,205,089-13,205,093 gives the same sequence; the c. name uses the placement nearest the transcript's 3' end. VCF-style (leftmost placement, unchanged base first): chr9-13205088-TTCA-T. GRCh37 (hg19) VCF-style: chr9-13205087-TTCA-T.
Other names: c.1491_1493del, p.Asp497del (NM_001261406.2, NM_001261407.2, NM_001330637.2 and 14 more transcripts); short protein forms D497del.
Identifiers: ClinVar variation 2890823 (VCV002890823.2), dbSNP rs756589652, ClinGen allele CA4987759.

ClinVar aggregate classification (germline): Uncertain significance (1 of 4 stars; one submission).

Submission:

Labcorp Genetics (formerly Invitae), Labcorp
Classification: Uncertain significance. Last evaluated: 2023-05-23. Review status: criteria provided, single submitter. Criteria: Invitae Variant Classification Sherloc (09022015). Collection method: clinical testing. Allele origin: germline.
Comment: In summary, the available evidence is currently insufficient to determine the role of this variant in disease. Therefore, it has been classified as a Variant of Uncertain Significance. Experimental studies and prediction algorithms are not available or were not evaluated, and the functional significance of this variant is currently unknown. This variant has not been reported in the literature in individuals affected with MPDZ-related conditions. This variant is present in population databases (rs756589652, gnomAD 0.05%). This variant, c.1491_1493del, results in the deletion of 1 amino acid(s) of the MPDZ protein (p.Asp497del), but otherwise preserves the integrity of the reading frame.